The following is an entry in ClinVar:

ClinVar aggregate classification (germline): Pathogenic. Review status: criteria provided, single submitter (1 of 4 stars). 3 submissions from 3 submitters: Pathogenic (1). 2 of the submissions do not count toward it. Last evaluated 2020-11-10.

Conditions:
Breast and/or ovarian cancer. Identifiers: MedGen CN221562.
Hereditary cancer-predisposing syndrome. Also called: Neoplastic Syndromes, Hereditary; Hereditary neoplastic syndrome; Tumor predisposition; Hereditary Cancer Syndrome. Identifiers: Orphanet 140162, MedGen C0027672, MeSH D009386, MONDO:0015356.
Ovarian neoplasm. Also called: Neoplasm of ovary; Ovarian Neoplasms; Ovarian tumor. Identifiers: MedGen C0919267, MeSH D010051, MONDO:0021068, HP:0100615.

Submissions (3):

Ambry Genetics
Classification: Pathogenic for Hereditary cancer-predisposing syndrome. Last evaluated: 2020-11-10. Review status: criteria provided, single submitter. Criteria: Ambry Variant Classification Scheme 2023. Collection method: clinical testing. Allele origin: germline.
Comment: The p.Q192* pathogenic mutation (also known as c.574C>T), located in coding exon 6 of the RAD51D gene, results from a C to T substitution at nucleotide position 574. This changes the amino acid from a glutamine to a stop codon within coding exon 6. This alteration is expected to result in loss of function by premature protein truncation or nonsense-mediated mRNA decay. As such, this alteration is interpreted as a disease-causing mutation.

CZECANCA consortium
Classification: Pathogenic for Breast and/or ovarian cancer. Last evaluated: 2019-06-11. Review status: no assertion criteria provided. Collection method: clinical testing. Allele origin: germline. Affected: yes. Observed: 1 variant allele. Not counted in ClinVar's aggregate classification.

China-NCC-Department of Gynecologic Oncology, Cancer Hospital, Chinese Academy of Medical Sciences and Peking Union Medical College
Classification: Pathogenic for Ovarian neoplasm. Review status: no assertion criteria provided. Collection method: clinical testing. Allele origin: germline. Inheritance: Autosomal dominant inheritance. Affected: yes. Observed: 1 variant allele. Not counted in ClinVar's aggregate classification.

Literature cited by the submitters: PubMed 32295079 (cited by CZECANCA consortium).

NM_002878.4(RAD51D):c.574C>T (p.Gln192Ter)

Genes: RAD51L3-RFFL (RAD51L3-RFFL readthrough; minus strand), RAD51D (RAD51 paralog D; minus strand). Cytogenetic location: 17q12.
Variant type: single nucleotide variant.
Coding change: c.574C>T on transcript NM_002878.4 (MANE Select); coding-DNA position 574, C replaced by T.
Protein change: p.Gln192Ter; replaces glutamine 192 with a stop codon.
Molecular consequence: nonsense. On other transcripts: non-coding transcript variant (3).
Genome position (GRCh38, 1-based): chr17:35,106,388, G>A on the plus strand (C>T on the coding strand, the complement: RAD51D is on the minus strand). VCF-style: chr17-35106388-G-A. GRCh37 (hg19) VCF-style: chr17-33433407-G-A.
Other names: c.574C>T (NM_002878.3); c.634C>T, p.Gln212Ter (NM_001142571.2); c.238C>T, p.Gln80Ter (NM_133629.3); short protein forms Q192*, Q212*, Q80*.
Identifiers: ClinVar variation 989429 (VCV000989429.5), dbSNP rs2091602962, ClinGen allele CA399088509.
Genomic context (GRCh38, chr17:35,106,388, plus strand): 5'-ACAGAGATAGCACCTAGAAAGCTGAATTAAGCAAGGAGGGGCAGAACAGCAGGCTCACCT[G>A]CTGGGCCACAGTGCCTCGGAGCTCCTGCAGCACATCCAGCATCTGGAAGATGTCAAATGC-3'